The following is an entry in ClinVar:

NM_014946.4(SPAST):c.1694A>C (p.Lys565Thr)

Gene: SPAST (spastin; plus strand). Cytogenetic location: 2p22.3.
Variant type: single nucleotide variant.
Coding change: c.1694A>C on transcript NM_014946.4 (MANE Select); coding-DNA position 1694, A replaced by C.
Protein change: p.Lys565Thr; replaces lysine 565 with threonine.
Molecular consequence: missense variant.
Genome position (GRCh38, 1-based): chr2:32,147,224, A>C. VCF-style: chr2-32147224-A-C. GRCh37 (hg19) VCF-style: chr2-32372293-A-C.
Other names: c.1691A>C, p.Lys564Thr (NM_001363823.2); c.1595A>C, p.Lys532Thr (NM_001363875.2); c.1527A>C, p.Lys509Asn (NM_001377959.1); c.1598A>C, p.Lys533Thr (NM_199436.2); short protein forms K509N, K532T, K533T, K564T, K565T.
Identifiers: ClinVar variation 4881879 (VCV004881879.2).

ClinVar aggregate classification (germline): Uncertain significance (1 of 4 stars; one submission).

gnomAD v4.1: 2 of 1,609,516 alleles (0.00012%); highest among the groups gnomAD compares: Non-Finnish European, 0.00017%; no homozygotes.

Submission:

Dasa
Classification: Uncertain significance. Last evaluated: 2024-06-13. Review status: criteria provided, single submitter. Criteria: DASA Assertion Criteria. Collection method: clinical testing. Allele origin: germline.
Comment: NM_014946.4(SPAST):c.1694A>C (p.Lys565Thr) is a missense variant that results in the substitution of lysine with threonine. This variant is rare in population databases. The currently available literature and clinical evidence are not sufficient to establish a definitive association between this variant and the reported condition. Therefore, this variant is classified as a variant of uncertain significance.